The following is an entry in ClinVar:

NM_053025.4(MYLK):c.4540A>G (p.Asn1514Asp)

Gene: MYLK (myosin light chain kinase; minus strand). Cytogenetic location: 3q21.1.
Variant type: single nucleotide variant.
Coding change: c.4540A>G on transcript NM_053025.4 (MANE Select); coding-DNA position 4540, A replaced by G.
Protein change: p.Asn1514Asp; replaces asparagine 1514 with aspartic acid.
Molecular consequence: missense variant.
Genome position (GRCh38, 1-based): chr3:123,647,303, T>C on the plus strand (A>G on the coding strand, the complement: MYLK is on the minus strand). VCF-style: chr3-123647303-T-C. GRCh37 (hg19) VCF-style: chr3-123366150-T-C.
Other names: c.4012A>G, p.Asn1338Asp (NM_001321309.2); c.4333A>G, p.Asn1445Asp (NM_053026.4, NM_053028.4); c.4540A>G, p.Asn1514Asp (NM_053027.4); short protein forms N1338D, N1445D, N1514D.
Identifiers: ClinVar variation 1009149 (VCV001009149.21), dbSNP rs2059054614, ClinGen allele CA354227118.
Genomic context (GRCh38, chr3:123,647,303, plus strand): 5'-TGTTGGCCTTTTCTTCAAAGGCATCCACACACTGGACCAGCTTAGGGTGGTGGAGGCAGT[T>C]CATGATGCTAATCTCCTGCCGGATATTCTCTTTCTCTTTTGCTGAATATGCCTTGAAGAA-3'
Protein context (NP_444253.3, residues 1504-1524): ENIRQEISIM[Asn1514Asp]CLHHPKLVQC

ClinVar aggregate classification (germline): Uncertain significance. Review status: criteria provided, multiple submitters, no conflicts (2 of 4 stars). 5 submissions from 5 submitters: Uncertain significance (5). Last evaluated 2025-11-21.

Conditions:
Aortic aneurysm, familial thoracic 7 (AAT7). Also called: AORTIC DISSECTION, FAMILIAL, WITH OR WITHOUT AORTIC ANEURYSM. Identifiers: MedGen C3151077, MONDO:0013418, OMIM 613780.
MYLK-related disorder. Also called: MYLK-related condition.
Familial thoracic aortic aneurysm and aortic dissection (TAAD). Also called: Thoracic aortic aneurysms and dissections. Identifiers: Orphanet 91387, MedGen C4707243, MONDO:0019625.

Allele frequency attached by ClinVar (database versions not stated): gnomAD 0.00002; TOPMed 0.00005.
gnomAD v4.1: 3 of 1,614,114 alleles (0.00019%); highest among the groups gnomAD compares: Admixed American, 0.005%; no homozygotes.

Submissions (5):

PreventionGenetics, part of Exact Sciences
Classification: Uncertain significance for MYLK-related condition. Last evaluated: 2025-11-21. Review status: criteria provided, single submitter. Criteria: ACMG Guidelines, 2015. Collection method: clinical testing. Allele origin: germline.
Comment: The MYLK c.4540A>G variant is predicted to result in the amino acid substitution p.Asn1514Asp. To our knowledge, this variant has not been reported in the literature or in a large population database (gnomAD), indicating this variant is rare. At this time, the clinical significance of this variant is uncertain due to the absence of conclusive functional and genetic evidence.

Labcorp Genetics (formerly Invitae), Labcorp
Classification: Uncertain significance for Aortic aneurysm, familial thoracic 7. Last evaluated: 2025-10-07. Review status: criteria provided, single submitter. Criteria: Invitae Variant Classification Sherloc (09022015). Collection method: clinical testing. Allele origin: germline.
Comment: This sequence change replaces asparagine, which is neutral and polar, with aspartic acid, which is acidic and polar, at codon 1514 of the MYLK protein (p.Asn1514Asp). This variant is not present in population databases (gnomAD no frequency). This variant has not been reported in the literature in individuals affected with MYLK-related conditions. ClinVar contains an entry for this variant (Variation ID: 1009149). Invitae Evidence Modeling of protein sequence and biophysical properties (such as structural, functional, and spatial information, amino acid conservation, physicochemical variation, residue mobility, and thermodynamic stability) indicates that this missense variant is not expected to disrupt MYLK protein function with a negative predictive value of 80%. In summary, the available evidence is currently insufficient to determine the role of this variant in disease. Therefore, it has been classified as a Variant of Uncertain Significance.

Ambry Genetics
Classification: Uncertain significance for Familial thoracic aortic aneurysm and aortic dissection. Last evaluated: 2024-05-26. Review status: criteria provided, single submitter. Criteria: Ambry Variant Classification Scheme 2023. Collection method: clinical testing. Allele origin: germline.

GeneDx
Classification: Uncertain significance. Last evaluated: 2024-05-21. Review status: criteria provided, single submitter. Criteria: GeneDx Variant Classification Process June 2021. Collection method: clinical testing. Allele origin: germline. Affected: yes.
Comment: Has not been previously published as pathogenic or benign to our knowledge; Not observed at significant frequency in large population cohorts (gnomAD); In silico analysis supports that this missense variant has a deleterious effect on protein structure/function

Women's Health and Genetics/Laboratory Corporation of America, LabCorp
Classification: Uncertain significance. Last evaluated: 2024-03-30. Review status: criteria provided, single submitter. Criteria: LabCorp Variant Classification Summary - May 2015. Collection method: clinical testing. Allele origin: germline.